The following is an entry in ClinVar:

NM_000878.5(IL2RB):c.1588C>T (p.Pro530Ser)

Gene: IL2RB (interleukin 2 receptor subunit beta; minus strand). Cytogenetic location: 22q12.3.
Variant type: single nucleotide variant.
Coding change: c.1588C>T on transcript NM_000878.5 (MANE Select); coding-DNA position 1588, C replaced by T.
Protein change: p.Pro530Ser; replaces proline 530 with serine.
Molecular consequence: missense variant.
Genome position (GRCh38, 1-based): chr22:37,128,164, G>A on the plus strand (C>T on the coding strand, the complement: IL2RB is on the minus strand). VCF-style: chr22-37128164-G-A. GRCh37 (hg19) VCF-style: chr22-37524204-G-A.
Other names: c.1588C>T, p.Pro530Ser (NM_001346222.1, NM_001346223.2); short protein forms P530S.
Identifiers: ClinVar variation 1392669 (VCV001392669.8), dbSNP rs1921216111, ClinGen allele CA411423434.

ClinVar aggregate classification (germline): Uncertain significance (1 of 4 stars; one submission).

gnomAD v4.1: 6 of 1,567,548 alleles (0.00038%); highest among the groups gnomAD compares: Non-Finnish European, 0.00052%; no homozygotes.

Submission:

Labcorp Genetics (formerly Invitae), Labcorp
Classification: Uncertain significance. Last evaluated: 2022-02-08. Review status: criteria provided, single submitter. Criteria: Invitae Variant Classification Sherloc (09022015). Collection method: clinical testing. Allele origin: germline.
Comment: In summary, the available evidence is currently insufficient to determine the role of this variant in disease. Therefore, it has been classified as a Variant of Uncertain Significance. Algorithms developed to predict the effect of missense changes on protein structure and function output the following: SIFT: "Tolerated"; PolyPhen-2: "Benign"; Align-GVGD: "Class C0". The serine amino acid residue is found in multiple mammalian species, which suggests that this missense change does not adversely affect protein function. This variant has not been reported in the literature in individuals affected with IL2RB-related conditions. This variant is not present in population databases (gnomAD no frequency). This sequence change replaces proline, which is neutral and non-polar, with serine, which is neutral and polar, at codon 530 of the IL2RB protein (p.Pro530Ser).